The following is an entry in ClinVar:

NM_001286445.3(RIPOR2):c.1910A>G (p.Glu637Gly)

Gene: RIPOR2 (RHO family interacting cell polarization regulator 2; minus strand). Cytogenetic location: 6p22.3.
Variant type: single nucleotide variant.
Coding change: c.1910A>G on transcript NM_001286445.3 (MANE Select); coding-DNA position 1910, A replaced by G.
Protein change: p.Glu637Gly; replaces glutamic acid 637 with glycine.
Molecular consequence: missense variant.
Genome position (GRCh38, 1-based): chr6:24,839,220, T>C on the plus strand (A>G on the coding strand, the complement: RIPOR2 is on the minus strand). VCF-style: chr6-24839220-T-C. GRCh37 (hg19) VCF-style: chr6-24839448-T-C.
Other names: c.1823A>G, p.Glu608Gly (NM_001346031.2, NM_001346032.2); c.1973A>G, p.Glu658Gly (NM_014722.5); short protein forms E608G, E637G, E658G.
Identifiers: ClinVar variation 3686896 (VCV003686896.2).

ClinVar aggregate classification (germline): Uncertain significance (1 of 4 stars; one submission).

Submission:

Labcorp Genetics (formerly Invitae), Labcorp
Classification: Uncertain significance. Last evaluated: 2024-05-29. Review status: criteria provided, single submitter. Criteria: Invitae Variant Classification Sherloc (09022015). Collection method: clinical testing. Allele origin: germline.
Comment: This sequence change replaces glutamic acid, which is acidic and polar, with glycine, which is neutral and non-polar, at codon 658 of the FAM65B protein (p.Glu658Gly). This variant is present in population databases (no rsID available, gnomAD 0.01%). This variant has not been reported in the literature in individuals affected with FAM65B-related conditions. An algorithm developed to predict the effect of missense changes on protein structure and function (PolyPhen-2) suggests that this variant is likely to be disruptive. In summary, the available evidence is currently insufficient to determine the role of this variant in disease. Therefore, it has been classified as a Variant of Uncertain Significance.